The following is an entry in ClinVar:

ClinVar aggregate classification (germline): Uncertain significance. Review status: criteria provided, multiple submitters, no conflicts (2 of 4 stars). 3 submissions from 3 submitters: Uncertain significance (3). Last evaluated 2025-07-09.

Conditions:
Arrhythmogenic right ventricular cardiomyopathy (ARVD). Also called: Arrhythmogenic cardiomyopathy; Cardiomyopathy, ARVC; Arrhythmogenic right ventricular dysplasia; Arrhythmogenic Right Ventricular Cardiomyopathy (ARVC). Identifiers: Orphanet 247, MedGen C0349788, MeSH D019571, MONDO:0016587. Disease mechanism: loss of function. Inheritance: Various modes of inheritance.
Left ventricular noncompaction. Identifiers: Orphanet 54260, MedGen C1960469, MONDO:0018901, HP:0030682.
Arrhythmogenic right ventricular dysplasia 9 (ARVD9). Also called: Arrhythmogenic Right Ventricular Dysplasia/Cardiomyopathy 9; ARRHYTHMOGENIC RIGHT VENTRICULAR DYSPLASIA, FAMILIAL, 9. Identifiers: MedGen C1836906, MONDO:0012180, OMIM 609040.

Allele frequency attached by ClinVar (database versions not stated): TOPMed 0.00002.
gnomAD v4.1: 1 of 1,613,858 alleles (0.000062%); highest among the groups gnomAD compares: African/African-American, 0.0013%; no homozygotes.

Submissions (3):

Labcorp Genetics (formerly Invitae), Labcorp
Classification: Uncertain significance for Arrhythmogenic right ventricular dysplasia 9. Last evaluated: 2025-07-09. Review status: criteria provided, single submitter. Criteria: Invitae Variant Classification Sherloc (09022015). Collection method: clinical testing. Allele origin: germline.
Comment: This sequence change replaces asparagine, which is neutral and polar, with lysine, which is basic and polar, at codon 670 of the PKP2 protein (p.Asn670Lys). This variant is not present in population databases (gnomAD no frequency). This variant has not been reported in the literature in individuals affected with PKP2-related conditions. ClinVar contains an entry for this variant (Variation ID: 684846). An algorithm developed to predict the effect of missense changes on protein structure and function (PolyPhen-2) suggests that this variant is likely to be disruptive. In summary, the available evidence is currently insufficient to determine the role of this variant in disease. Therefore, it has been classified as a Variant of Uncertain Significance.

All of Us Research Program, National Institutes of Health
Classification: Uncertain significance for Arrhythmogenic right ventricular cardiomyopathy. Last evaluated: 2023-11-02. Review status: criteria provided, single submitter. Criteria: ACMG Guidelines, 2015. Collection method: clinical testing. Allele origin: germline. Inheritance: Autosomal dominant inheritance. Observed: 1 variant allele, 1 heterozygote.
Comment: This missense variant replaces asparagine with lysine at codon 670 of the PKP2 protein. Computational prediction suggests that this variant may not impact protein structure and function (internally defined REVEL score threshold <= 0.5, PMID: 27666373). To our knowledge, functional studies have not been reported for this variant. This variant has not been reported in individuals affected with PKP2-related disorders in the literature. This variant has not been identified in the general population by the Genome Aggregation Database (gnomAD). The available evidence is insufficient to determine the role of this variant in disease conclusively. Therefore, this variant is classified as a Variant of Uncertain Significance.

This study involves interpretation of variants in research participants for the purpose of population health screening. Participant phenotype was not available at the time of variant classification. Additional details can be found in publication PMID: 35346344, PMCID: PMC8962531

Molecular Diagnostic Laboratory for Inherited Cardiovascular Disease, Montreal Heart Institute
Classification: Uncertain significance for Left ventricular noncompaction. Review status: criteria provided, single submitter. Criteria: ACMG Guidelines, 2015. Collection method: clinical testing. Allele origin: germline. Affected: yes.

NM_001005242.3(PKP2):c.1878C>A (p.Asn626Lys)

Gene: PKP2 (plakophilin 2; minus strand). Cytogenetic location: 12p11.21.
Variant type: single nucleotide variant.
Coding change: c.1878C>A on transcript NM_001005242.3 (MANE Select); coding-DNA position 1878, C replaced by A.
Protein change: p.Asn626Lys; replaces asparagine 626 with lysine.
Molecular consequence: missense variant.
Genome position (GRCh38, 1-based): chr12:32,821,491, G>T on the plus strand (C>A on the coding strand, the complement: PKP2 is on the minus strand). VCF-style: chr12-32821491-G-T. GRCh37 (hg19) VCF-style: chr12-32974425-G-T.
Other names: c.2010C>A, p.Asn670Lys (NM_004572.4); short protein forms N626K, N670K.
Identifiers: ClinVar variation 684846 (VCV000684846.8), dbSNP rs769943903, ClinGen allele CA235238124.